The following is an entry in ClinVar:

NM_006516.4(SLC2A1):c.1194T>C (p.Gly398=)

Gene: SLC2A1 (solute carrier family 2 member 1; minus strand). Cytogenetic location: 1p34.2.
Variant type: single nucleotide variant.
Coding change: c.1194T>C on transcript NM_006516.4 (MANE Select); coding-DNA position 1194, T replaced by C.
Protein change: p.Gly398=; no amino-acid change (glycine 398 retained).
Molecular consequence: synonymous variant.
Genome position (GRCh38, 1-based): chr1:42,927,689, A>G on the plus strand (T>C on the coding strand, the complement: SLC2A1 is on the minus strand). VCF-style: chr1-42927689-A-G. GRCh37 (hg19) VCF-style: chr1-43393360-A-G.
Identifiers: ClinVar variation 1600559 (VCV001600559.12), dbSNP rs761121578, ClinGen allele CA803329.

ClinVar aggregate classification (germline): Benign/Likely benign. Review status: criteria provided, multiple submitters, no conflicts (2 of 4 stars). 2 submissions from 2 submitters: Benign (1); Likely benign (1). Last evaluated 2026-06-01.

Conditions:
GLUT1 deficiency syndrome 1, autosomal recessive. Identifiers: MedGen C3149117.

Allele frequency attached by ClinVar (database versions not stated): gnomAD 0.00002; gnomAD exomes 0.00006 and 0.00010; ExAC 0.00010.
gnomAD v4.1: 96 of 1,614,066 alleles (0.0059%); highest among the groups gnomAD compares: South Asian, 0.1%; 3 homozygotes.

Submissions (2):

CeGaT Center for Human Genetics Tuebingen
Classification: Likely benign. Last evaluated: 2026-06-01. Review status: criteria provided, single submitter. Criteria: CeGaT Center For Human Genetics Tuebingen Variant Classification Criteria Version 2. Collection method: clinical testing. Allele origin: germline. Affected: yes. Observed: 2 variant alleles.
Comment: SLC2A1: BP4, BP7

Labcorp Genetics (formerly Invitae), Labcorp
Classification: Benign for GLUT1 deficiency syndrome 1, autosomal recessive. Last evaluated: 2025-11-03. Review status: criteria provided, single submitter. Criteria: Invitae Variant Classification Sherloc (09022015). Collection method: clinical testing. Allele origin: germline.